The following is an entry in ClinVar:

ClinVar aggregate classification (germline): Benign/Likely benign. Review status: criteria provided, single submitter (1 of 4 stars). 2 submissions from 1 submitter: Benign (1); Likely benign (1). Last evaluated 2018-01-12.

Conditions:
Angiokeratoma corporis diffusum with arteriovenous fistulas. Identifiers: MedGen C1838141, MONDO:0010885, OMIM 600419.
Cerebral cavernous malformation (CCM). Also called: Cerebral cavernous hemangioma (type); Cerebral cavernous malformations; CAVERNOUS ANGIOMA, FAMILIAL; CAVERNOUS ANGIOMATOUS MALFORMATIONS; CEREBRAL CAPILLARY MALFORMATIONS; Cavernous Hemangioma of Brain. Identifiers: Orphanet 221061, MedGen C2919945, MONDO:0000820, OMIM 116860, HP:0033522.

Allele frequency attached by ClinVar (database versions not stated): TOPMed 0.00187; 1000 Genomes Project 0.00180; gnomAD 0.00188; 1000 Genomes Project 30x 0.00203.
gnomAD v4.1: 281 of 152,330 alleles (0.18%); highest among the groups gnomAD compares: African/African-American, 0.63%; 2 homozygotes.

Submissions (2):

Illumina Laboratory Services, Illumina
Classification: Likely benign for Cerebral cavernous malformation. Last evaluated: 2018-01-12. Review status: criteria provided, single submitter. Criteria: ICSL Variant Classification Criteria 13 December 2019. Collection method: clinical testing. Allele origin: germline.
Comment: This variant was observed in the ICSL laboratory as part of a predisposition screen in an ostensibly healthy population. It had not been previously curated by ICSL or reported in the Human Gene Mutation Database (HGMD: prior to June 1st, 2018), and was therefore a candidate for classification through an automated scoring system. Utilizing variant allele frequency, disease prevalence and penetrance estimates, and inheritance mode, an automated score was calculated to assess if this variant is too frequent to cause the disease. Based on the score and internal cut-off values, a variant classified as likely benign is not then subjected to further curation. The score for this variant resulted in a classification of likely benign for this disease.

Illumina Laboratory Services, Illumina
Classification: Benign for Angiokeratoma corporis diffusum with arteriovenous fistulas. Last evaluated: 2018-01-12. Review status: criteria provided, single submitter. Criteria: ICSL Variant Classification Criteria 13 December 2019. Collection method: clinical testing. Allele origin: germline.
Comment: This variant was observed in the ICSL laboratory as part of a predisposition screen in an ostensibly healthy population. It had not been previously curated by ICSL or reported in the Human Gene Mutation Database (HGMD: prior to June 1st, 2018), and was therefore a candidate for classification through an automated scoring system. Utilizing variant allele frequency, disease prevalence and penetrance estimates, and inheritance mode, an automated score was calculated to assess if this variant is too frequent to cause the disease. Based on the score and internal cut-off values, a variant classified as benign is not then subjected to further curation. The score for this variant resulted in a classification of benign for this disease.

NM_194456.1(KRIT1):c.*1750C>T

Gene: KRIT1 (KRIT1 ankyrin repeat containing; minus strand). Cytogenetic location: 7q21.2.
Variant type: single nucleotide variant.
Coding change: c.*1750C>T on transcript NM_194456.1; 1750 bases downstream of the stop codon, C replaced by T.
Molecular consequence: 3 prime UTR variant.
Genome position (GRCh38, 1-based): chr7:92,198,986, G>A on the plus strand (C>T on the coding strand, the complement: KRIT1 is on the minus strand). VCF-style: chr7-92198986-G-A. GRCh37 (hg19) VCF-style: chr7-91828300-G-A.
Other names: c.*1750C>T (NM_001350675.1, NM_001350676.1, NM_001350677.1 and 29 more transcripts).
Identifiers: ClinVar variation 360861 (VCV000360861.7), dbSNP rs188612683, ClinGen allele CA10629596.